The following is an entry in ClinVar:

NM_006204.4(PDE6C):c.736T>C (p.Ser246Pro)

Gene: PDE6C (phosphodiesterase 6C; plus strand). Cytogenetic location: 10q23.33.
Variant type: single nucleotide variant.
Coding change: c.736T>C on transcript NM_006204.4 (MANE Select); coding-DNA position 736, T replaced by C.
Protein change: p.Ser246Pro; replaces serine 246 with proline.
Molecular consequence: missense variant.
Genome position (GRCh38, 1-based): chr10:93,621,944, T>C. VCF-style: chr10-93621944-T-C. GRCh37 (hg19) VCF-style: chr10-95381701-T-C.
Other names: short protein forms S246P.
Identifiers: ClinVar variation 867144 (VCV000867144.8), dbSNP rs1256862126, ClinGen allele CA377628103.
Genomic context (GRCh38, chr10:93,621,944, plus strand): 5'-CATAGCATACTTTATTCTAACTGTTTTCTTTTTGATACCTACTTTCAGATCCTTATGTGG[T>C]CAGCCAATAAAGTATTTGAAGAACTCACAGATGTTGAGCGACAGTTTCACAAAGCGCTCT-3'
Protein context (NP_006195.3, residues 236-256): ESRRSQILMW[Ser246Pro]ANKVFEELTD

ClinVar aggregate classification (germline): Uncertain significance. Review status: criteria provided, multiple submitters, no conflicts (2 of 4 stars). 2 submissions from 2 submitters: Uncertain significance (2). Last evaluated 2022-08-15.

Allele frequency attached by ClinVar (database versions not stated): TOPMed below 0.00001; gnomAD exomes 0.00001 and 0.00002.
gnomAD v4.1: 3 of 1,613,904 alleles (0.00019%); highest among the groups gnomAD compares: Admixed American, 0.005%; no homozygotes.

Submissions (2):

Labcorp Genetics (formerly Invitae), Labcorp
Classification: Uncertain significance. Last evaluated: 2022-08-15. Review status: criteria provided, single submitter. Criteria: Invitae Variant Classification Sherloc (09022015). Collection method: clinical testing. Allele origin: germline.
Comment: In summary, the available evidence is currently insufficient to determine the role of this variant in disease. Therefore, it has been classified as a Variant of Uncertain Significance. Algorithms developed to predict the effect of missense changes on protein structure and function are either unavailable or do not agree on the potential impact of this missense change (SIFT: "Tolerated"; PolyPhen-2: "Possibly Damaging"; Align-GVGD: "Class C0"). ClinVar contains an entry for this variant (Variation ID: 867144). This variant has not been reported in the literature in individuals affected with PDE6C-related conditions. This variant is present in population databases (no rsID available, gnomAD 0.01%). This sequence change replaces serine, which is neutral and polar, with proline, which is neutral and non-polar, at codon 246 of the PDE6C protein (p.Ser246Pro).

Blueprint Genetics
Classification: Uncertain significance. Last evaluated: 2019-04-24. Review status: criteria provided, single submitter. Criteria: ACMG Guidelines, 2015. Collection method: clinical testing. Allele origin: germline.